The following is an entry in ClinVar:

ClinVar aggregate classification (germline): Benign. Review status: criteria provided, multiple submitters, no conflicts (2 of 4 stars). 2 submissions from 2 submitters: Benign (2). Last evaluated 2018-06-14.

Allele frequency attached by ClinVar (database versions not stated): 1000 Genomes Project 0.27177; 1000 Genomes Project 30x 0.27639; gnomAD 0.35572 and 0.36263; TOPMed 0.35696.
gnomAD v4.1: 419,944 of 1,169,434 alleles (36%); highest among the groups gnomAD compares: African/African-American, 41%; 78,877 homozygotes.

Submissions (2):

GeneDx
Classification: Benign. Last evaluated: 2018-06-14. Review status: criteria provided, single submitter. Criteria: GeneDx Variant Classification (06012015). Collection method: clinical testing. Allele origin: germline. Affected: yes.
Comment: This variant is considered likely benign or benign based on one or more of the following criteria: it is a conservative change, it occurs at a poorly conserved position in the protein, it is predicted to be benign by multiple in silico algorithms, and/or has population frequency not consistent with disease.

Breakthrough Genomics
Classification: Benign. Review status: criteria provided, single submitter. Criteria: ACMG Guidelines, 2015. Collection method: not provided. Allele origin: germline. Inheritance: Autosomal recessive inheritance. Affected: yes.

NM_024809.5(TCTN2):c.463+98T>C

Gene: TCTN2 (tectonic family member 2; plus strand). Cytogenetic location: 12q24.31.
Variant type: single nucleotide variant.
Coding change: c.463+98T>C on transcript NM_024809.5 (MANE Select); 98 bases into the intron after coding-DNA position 463, T replaced by C.
Molecular consequence: intron variant.
Genome position (GRCh38, 1-based): chr12:123,673,908, T>C. VCF-style: chr12-123673908-T-C. GRCh37 (hg19) VCF-style: chr12-124158455-T-C.
Other names: c.460+98T>C (NM_001143850.3).
Identifiers: ClinVar variation 675010 (VCV000675010.2), dbSNP rs7953599, ClinGen allele CA13605531.